The following is an entry in ClinVar:

NM_021072.4(HCN1):c.57C>A (p.Ser19Arg)

Gene: HCN1 (hyperpolarization activated cyclic nucleotide gated potassium channel 1; minus strand). Cytogenetic location: 5p12.
Variant type: single nucleotide variant.
Coding change: c.57C>A on transcript NM_021072.4 (MANE Select); coding-DNA position 57, C replaced by A.
Protein change: p.Ser19Arg; replaces serine 19 with arginine.
Molecular consequence: missense variant.
Genome position (GRCh38, 1-based): chr5:45,696,037, G>T on the plus strand (C>A on the coding strand, the complement: HCN1 is on the minus strand). VCF-style: chr5-45696037-G-T. GRCh37 (hg19) VCF-style: chr5-45696139-G-T.
Other names: short protein forms S19R.
Identifiers: ClinVar variation 3341424 (VCV003341424.1).

ClinVar aggregate classification (germline): Uncertain significance (1 of 4 stars; one submission).

Conditions:
Developmental and epileptic encephalopathy, 24 (DEE24). Also called: Epileptic encephalopathy, early infantile, 24. Identifiers: Orphanet 442835, MedGen C4014531, MONDO:0014377, OMIM 615871.

gnomAD v4.1: 7 of 1,347,884 alleles (0.00052%); highest among the groups gnomAD compares: South Asian, 0.0076%; no homozygotes.

Submission:

Neuberg Centre For Genomic Medicine, NCGM
Classification: Uncertain significance for Developmental and epileptic encephalopathy, 24. Last evaluated: 2023-05-20. Review status: criteria provided, single submitter. Criteria: ACMG Guidelines, 2015. Collection method: clinical testing. Allele origin: germline. Inheritance: Autosomal dominant inheritance. Affected: yes.
Comment: The observed missense c.57C>A(p.Ser19Arg) variant in HCN1 gene has not been reported previously as a pathogenic variant nor as a benign variant, to our knowledge. This variant is reported with the allele frequency of 0.0% in the gnomAD Exomes. The amino acid Ser at position 19 is changed to a Arg changing protein sequence and it might alter its composition and physico-chemical properties. The amino acid change p.Ser19Arg in HCN1 is predicted as conserved by PhyloP across 100 vertebrates. Computational evidence (Polyphen - Benign, SIFT - Damaging, and MutationTaster - Polymorphism automatic) predicts conflicting evidence on protein structure and function for this variant. For these reasons, this variant has been classified as Uncertain Significance.